The following is an entry in ClinVar:

ClinVar aggregate classification (germline): Uncertain significance (1 of 4 stars; one submission).

Allele frequency attached by ClinVar (database versions not stated): TOPMed below 0.00001; gnomAD 0.00001.
gnomAD v4.1: 5 of 1,613,662 alleles (0.00031%); highest among the groups gnomAD compares: Non-Finnish European, 0.00034%; no homozygotes.

Submission:

Labcorp Genetics (formerly Invitae), Labcorp
Classification: Uncertain significance. Last evaluated: 2023-09-25. Review status: criteria provided, single submitter. Criteria: Invitae Variant Classification Sherloc (09022015). Collection method: clinical testing. Allele origin: germline.
Comment: In summary, the available evidence is currently insufficient to determine the role of this variant in disease. Therefore, it has been classified as a Variant of Uncertain Significance. An algorithm developed to predict the effect of missense changes on protein structure and function (PolyPhen-2) suggests that this variant is likely to be disruptive. This variant has not been reported in the literature in individuals affected with DIP2C-related conditions. This variant is not present in population databases (gnomAD no frequency). This sequence change replaces proline, which is neutral and non-polar, with leucine, which is neutral and non-polar, at codon 268 of the DIP2C protein (p.Pro268Leu).

NM_014974.3(DIP2C):c.803C>T (p.Pro268Leu)

Genes: DIP2C (DIP2 acetate--CoA ligase C (putative); minus strand), LOC126860807 (CDK7 strongly-dependent group 2 enhancer GRCh37_chr10:461462-462661; plus strand). Cytogenetic location: 10p15.3.
Variant type: single nucleotide variant.
Coding change: c.803C>T on transcript NM_014974.3 (MANE Select); coding-DNA position 803, C replaced by T.
Protein change: p.Pro268Leu; replaces proline 268 with leucine.
Molecular consequence: missense variant.
Genome position (GRCh38, 1-based): chr10:415,825, G>A on the plus strand (C>T on the coding strand, the complement: DIP2C is on the minus strand). VCF-style: chr10-415825-G-A. GRCh37 (hg19) VCF-style: chr10-461765-G-A.
Other names: short protein forms P268L.
Identifiers: ClinVar variation 2813886 (VCV002813886.3), dbSNP rs1305551462, ClinGen allele CA375832634.